The following is an entry in ClinVar:

ClinVar aggregate classification (germline): Likely pathogenic (1 of 4 stars; one submission).

Conditions:
Intellectual developmental disorder, X-linked 104. Also called: Intellectual disability, X-linked 104. Identifiers: MedGen C4310817, MONDO:0010509, OMIM 300983.

Allele frequency attached by ClinVar (database versions not stated): gnomAD exomes below 0.00001.
gnomAD v4.1: 1 of 1,191,173 alleles (0.000084%); highest among the groups gnomAD compares: Non-Finnish European, 0.00011%; no homozygotes.

Submission:

3billion
Classification: Likely pathogenic for Intellectual developmental disorder, X-linked 104. Last evaluated: 2021-10-02. Review status: criteria provided, single submitter. Criteria: ACMG Guidelines, 2015. Collection method: clinical testing. Allele origin: unknown. Affected: yes. Observed: 1 hemizygote.
Comment: Stop-gained (nonsense): predicted to result in a loss or disruption of normal protein function through nonsense-mediated decay (NMD) or protein truncation. Multiple pathogenic variants are reported downstream of the variant (PVS1_VS). It is not observed in the gnomAD v2.1.1 dataset (PM2). Therefore, this variant is classified as likely pathogenic according to the recommendation of ACMG/AMP guideline.

NM_001368397.1(FRMPD4):c.1151C>A (p.Ser384Ter)

Gene: FRMPD4 (FERM and PDZ domain containing 4; plus strand). Cytogenetic location: Xp22.2.
Variant type: single nucleotide variant.
Coding change: c.1151C>A on transcript NM_001368397.1 (MANE Select); coding-DNA position 1151, C replaced by A.
Protein change: p.Ser384Ter; replaces serine 384 with a stop codon.
Molecular consequence: nonsense.
Genome position (GRCh38, 1-based): chrX:12,704,439, C>A. VCF-style: chrX-12704439-C-A. GRCh37 (hg19) VCF-style: chrX-12722558-C-A.
Other names: c.1262C>A, p.Ser421Ter (NM_001368395.3, NM_001368398.3); c.1157C>A, p.Ser386Ter (NM_001368396.3); c.1142C>A, p.Ser381Ter (NM_001368399.3); c.1031C>A, p.Ser344Ter (NM_001368400.3); c.1127C>A, p.Ser376Ter (NM_001368401.1, NM_001368402.3); c.1151C>A, p.Ser384Ter (NM_014728.3); short protein forms S344*, S376*, S381*, S384*, S386*, S421*.
Identifiers: ClinVar variation 1320187 (VCV001320187.1), dbSNP rs2147144421, ClinGen allele CA412008808.